The following is an entry in ClinVar:

ClinVar aggregate classification (germline): Conflicting classifications of pathogenicity. Review status: criteria provided, conflicting classifications (1 of 4 stars). 2 submissions from 2 submitters: Uncertain significance (1); Likely benign (1). Last evaluated 2023-10-01.

Conditions:
Retinal dystrophy. Also called: Inherited retinal dystrophy. Identifiers: Orphanet 71862, MedGen C0854723, MeSH D058499, MONDO:0019118, HP:0000556.

Allele frequency attached by ClinVar (database versions not stated): gnomAD 0.00001; TOPMed 0.00001; ExAC 0.00004; gnomAD exomes 0.00006.
gnomAD v4.1: 94 of 1,614,042 alleles (0.0058%); highest among the groups gnomAD compares: East Asian, 0.069%; no homozygotes.

Submissions (2):

Dept Of Ophthalmology, Nagoya University
Classification: Likely benign for Retinal dystrophy. Last evaluated: 2023-10-01. Review status: criteria provided, single submitter. Criteria: Submitter's publication. Collection method: research. Allele origin: germline. Affected: yes.

Labcorp Genetics (formerly Invitae), Labcorp
Classification: Uncertain significance. Last evaluated: 2022-09-27. Review status: criteria provided, single submitter. Criteria: Invitae Variant Classification Sherloc (09022015). Collection method: clinical testing. Allele origin: germline.
Comment: This sequence change replaces aspartic acid, which is acidic and polar, with glutamic acid, which is acidic and polar, at codon 371 of the FAM161A protein (p.Asp371Glu). This variant is present in population databases (rs764517474, gnomAD 0.005%). This missense change has been observed in individual(s) with retinitis pigmentosa (PMID: 24651477). Advanced modeling of protein sequence and biophysical properties (such as structural, functional, and spatial information, amino acid conservation, physicochemical variation, residue mobility, and thermodynamic stability) performed at Invitae indicates that this missense variant is not expected to disrupt FAM161A protein function. In summary, the available evidence is currently insufficient to determine the role of this variant in disease. Therefore, it has been classified as a Variant of Uncertain Significance.

Literature cited by the submitters: PubMed 24651477 (cited by Labcorp Genetics (formerly Invitae), Labcorp).

NM_001201543.2(FAM161A):c.1113C>G (p.Asp371Glu)

Gene: FAM161A (FAM161 centrosomal protein A; minus strand). Cytogenetic location: 2p15.
Variant type: single nucleotide variant.
Coding change: c.1113C>G on transcript NM_001201543.2 (MANE Select); coding-DNA position 1113, C replaced by G.
Protein change: p.Asp371Glu; replaces aspartic acid 371 with glutamic acid.
Molecular consequence: missense variant. On other transcripts: non-coding transcript variant (1).
Genome position (GRCh38, 1-based): chr2:61,839,891, G>C on the plus strand (C>G on the coding strand, the complement: FAM161A is on the minus strand). VCF-style: chr2-61839891-G-C. GRCh37 (hg19) VCF-style: chr2-62067026-G-C.
Other names: c.1113C>G, p.Asp371Glu (NM_032180.3); short protein forms D371E.
Identifiers: ClinVar variation 2174031 (VCV002174031.2), dbSNP rs764517474, ClinGen allele CA1679207.